The following is an entry in ClinVar:

NM_001184.4(ATR):c.1681G>A (p.Ala561Thr)

Gene: ATR (ATR checkpoint kinase; minus strand). Cytogenetic location: 3q23.
Variant type: single nucleotide variant.
Coding change: c.1681G>A on transcript NM_001184.4 (MANE Select); coding-DNA position 1681, G replaced by A.
Protein change: p.Ala561Thr; replaces alanine 561 with threonine.
Molecular consequence: missense variant.
Genome position (GRCh38, 1-based): chr3:142,559,302, C>T on the plus strand (G>A on the coding strand, the complement: ATR is on the minus strand). VCF-style: chr3-142559302-C-T. GRCh37 (hg19) VCF-style: chr3-142278144-C-T.
Other names: c.1489G>A, p.Ala497Thr (NM_001354579.2); short protein forms A497T, A561T.
Identifiers: ClinVar variation 3221061 (VCV003221061.1), dbSNP rs2108479680, ClinGen allele CA354821972.

ClinVar aggregate classification (germline): Uncertain significance (1 of 4 stars; one submission).

Conditions:
Inborn genetic diseases. Identifiers: MedGen C0950123, MeSH D030342.

Submission:

Ambry Genetics
Classification: Uncertain significance for Inborn genetic diseases. Last evaluated: 2024-02-01. Review status: criteria provided, single submitter. Criteria: Ambry Variant Classification Scheme 2023. Collection method: clinical testing. Allele origin: germline.
Comment: The p.A561T variant (also known as c.1681G>A), located in coding exon 7 of the ATR gene, results from a G to A substitution at nucleotide position 1681. The alanine at codon 561 is replaced by threonine, an amino acid with similar properties. This amino acid position is conserved. In addition, this alteration is predicted to be tolerated by in silico analysis. Based on the available evidence, the clinical significance of this alteration remains unclear.